The following is an entry in ClinVar:

NM_017636.4(TRPM4):c.1919G>T (p.Arg640Leu)

Gene: TRPM4 (transient receptor potential cation channel subfamily M member 4; plus strand). Cytogenetic location: 19q13.33.
Variant type: single nucleotide variant.
Coding change: c.1919G>T on transcript NM_017636.4 (MANE Select); coding-DNA position 1919, G replaced by T.
Protein change: p.Arg640Leu; replaces arginine 640 with leucine.
Molecular consequence: missense variant.
Genome position (GRCh38, 1-based): chr19:49,188,991, G>T. VCF-style: chr19-49188991-G-T. GRCh37 (hg19) VCF-style: chr19-49692248-G-T.
Other names: c.1919G>T, p.Arg640Leu (NM_001195227.2); c.1574G>T, p.Arg525Leu (NM_001321281.2); c.311G>T, p.Arg104Leu (NM_001321282.2); c.1397G>T, p.Arg466Leu (NM_001321283.2); c.857G>T, p.Arg286Leu (NM_001321285.2); short protein forms R640L, R104L, R286L, R525L, R466L.
Identifiers: ClinVar variation 2741253 (VCV002741253.3), dbSNP rs2514143918, ClinGen allele CA406803774.

ClinVar aggregate classification (germline): Uncertain significance (1 of 4 stars; one submission).

Conditions:
Progressive familial heart block type IB (PFHB1B). Identifiers: Orphanet 871, MedGen C1970298, MONDO:0011474, OMIM 604559.

gnomAD v4.1: 1 of 1,614,094 alleles (0.000062%); highest among the groups gnomAD compares: Non-Finnish European, 0.000085%; no homozygotes.

Submission:

Labcorp Genetics (formerly Invitae), Labcorp
Classification: Uncertain significance for Progressive familial heart block type IB. Last evaluated: 2023-10-04. Review status: criteria provided, single submitter. Criteria: Invitae Variant Classification Sherloc (09022015). Collection method: clinical testing. Allele origin: germline.
Comment: This sequence change replaces arginine, which is basic and polar, with leucine, which is neutral and non-polar, at codon 640 of the TRPM4 protein (p.Arg640Leu). This variant is not present in population databases (gnomAD no frequency). This variant has not been reported in the literature in individuals affected with TRPM4-related conditions. An algorithm developed to predict the effect of missense changes on protein structure and function (PolyPhen-2) suggests that this variant is likely to be tolerated. In summary, the available evidence is currently insufficient to determine the role of this variant in disease. Therefore, it has been classified as a Variant of Uncertain Significance.